The following is an entry in ClinVar:

NM_001164665.2(KIAA1549):c.1519A>G (p.Ile507Val)

Gene: KIAA1549 (KIAA1549; minus strand). Cytogenetic location: 7q34.
Variant type: single nucleotide variant.
Coding change: c.1519A>G on transcript NM_001164665.2 (MANE Select); coding-DNA position 1519, A replaced by G.
Protein change: p.Ile507Val; replaces isoleucine 507 with valine.
Molecular consequence: missense variant.
Genome position (GRCh38, 1-based): chr7:138,918,107, T>C on the plus strand (A>G on the coding strand, the complement: KIAA1549 is on the minus strand). VCF-style: chr7-138918107-T-C. GRCh37 (hg19) VCF-style: chr7-138602853-T-C.
Other names: c.1519A>G, p.Ile507Val (NM_020910.3); short protein forms I507V.
Identifiers: ClinVar variation 1403309 (VCV001403309.5), dbSNP rs1812406150, ClinGen allele CA369398315.

ClinVar aggregate classification (germline): Uncertain significance (1 of 4 stars; one submission).

Submission:

Labcorp Genetics (formerly Invitae), Labcorp
Classification: Uncertain significance. Last evaluated: 2021-09-01. Review status: criteria provided, single submitter. Criteria: Invitae Variant Classification Sherloc (09022015). Collection method: clinical testing. Allele origin: germline.
Comment: This sequence change replaces isoleucine with valine at codon 507 of the KIAA1549 protein (p.Ile507Val). The isoleucine residue is weakly conserved and there is a small physicochemical difference between isoleucine and valine. This variant is not present in population databases (ExAC no frequency). This variant has not been reported in the literature in individuals affected with KIAA1549-related conditions. Algorithms developed to predict the effect of missense changes on protein structure and function output the following: SIFT: "Tolerated"; PolyPhen-2: "Benign"; Align-GVGD: "Class C0". The valine amino acid residue is found in multiple mammalian species, which suggests that this missense change does not adversely affect protein function. In summary, the available evidence is currently insufficient to determine the role of this variant in disease. Therefore, it has been classified as a Variant of Uncertain Significance.